The following is an entry in ClinVar:

NM_207122.2(EXT2):c.1740G>A (p.Trp580Ter)

Gene: EXT2 (exostosin glycosyltransferase 2; plus strand). Cytogenetic location: 11p11.2.
Variant type: single nucleotide variant.
Coding change: c.1740G>A on transcript NM_207122.2 (MANE Select); coding-DNA position 1740, G replaced by A.
Protein change: p.Trp580Ter; replaces tryptophan 580 with a stop codon.
Molecular consequence: nonsense.
Genome position (GRCh38, 1-based): chr11:44,232,430, G>A. VCF-style: chr11-44232430-G-A. GRCh37 (hg19) VCF-style: chr11-44253980-G-A.
Other names: c.1839G>A, p.Trp613Ter (NM_000401.3); c.1770G>A, p.Trp590Ter (NM_001178083.3); c.1740G>A, p.Trp580Ter (NM_001389628.1, NM_001389630.1); short protein forms W580*, W613*, W590*.
Identifiers: ClinVar variation 572306 (VCV000572306.8), dbSNP rs1564986609, ClinGen allele CA380182979.
Genomic context (GRCh38, chr11:44,232,430, plus strand): 5'-TGACCGGTTGGTGGGTTACCCGGGTCGTCTGCATCTCTGGGACCATGAGATGAATAAGTG[G>A]AAGTATGAGTCTGAGTGGACGAATGAAGTGTCCATGGTGCTCACTGGGGCAGCTTTTTAT-3'

ClinVar aggregate classification (germline): Pathogenic/Likely pathogenic. Review status: criteria provided, multiple submitters, no conflicts (2 of 4 stars). 2 submissions from 2 submitters: Pathogenic (1); Likely pathogenic (1). Last evaluated 2026-02-28.

Conditions:
Exostoses, multiple, type 2 (EXT2). Also called: Hereditary Multiple Osteochondromatosis, Type II; EXOSTOSES, MULTIPLE, TYPE II. Identifiers: Orphanet 321, MedGen C1851413, MONDO:0007586, OMIM 133701.

Allele frequency attached by ClinVar (database versions not stated): gnomAD below 0.00001 and 0.00001; gnomAD exomes below 0.00001.
gnomAD v4.1: 5 of 1,613,972 alleles (0.00031%); highest among the groups gnomAD compares: South Asian, 0.0044%; no homozygotes.

Submissions (2):

GeneDx
Classification: Likely pathogenic. Last evaluated: 2026-02-28. Review status: criteria provided, single submitter. Criteria: GeneDx Variant Classification Process June 2021. Collection method: clinical testing. Allele origin: germline.
Comment: Nonsense variant predicted to result in protein truncation or nonsense mediated decay in a gene for which loss of function is a known mechanism of disease; Not observed at significant frequency in large population cohorts (gnomAD); Has not been previously published as pathogenic or benign to our knowledge

Labcorp Genetics (formerly Invitae), Labcorp
Classification: Pathogenic for Exostoses, multiple, type 2. Last evaluated: 2018-05-04. Review status: criteria provided, single submitter. Criteria: Invitae Variant Classification Sherloc (09022015). Collection method: clinical testing. Allele origin: germline.
Comment: Loss-of-function variants in EXT2 are known to be pathogenic (PMID: 19810120). This variant has not been reported in the literature in individuals with EXT2-related disease. For these reasons, this variant has been classified as Pathogenic. This variant is not present in population databases (ExAC no frequency). This sequence change creates a premature translational stop signal (p.Trp580*) in the EXT2 gene. It is expected to result in an absent or disrupted protein product.

Literature cited by the submitters: PubMed 19810120 (cited by Labcorp Genetics (formerly Invitae), Labcorp).